The following is an entry in ClinVar:

NM_007294.4(BRCA1):c.4811A>G (p.Gln1604Arg)

Gene: BRCA1 (BRCA1 DNA repair associated; minus strand). Cytogenetic location: 17q21.31.
Variant type: single nucleotide variant.
Coding change: c.4811A>G on transcript NM_007294.4 (MANE Select); coding-DNA position 4811, A replaced by G.
Protein change: p.Gln1604Arg; replaces glutamine 1604 with arginine.
Molecular consequence: missense variant. On other transcripts: non-coding transcript variant (1).
Genome position (GRCh38, 1-based): chr17:43,071,103, T>C on the plus strand (A>G on the coding strand, the complement: BRCA1 is on the minus strand). VCF-style: chr17-43071103-T-C. GRCh37 (hg19) VCF-style: chr17-41223120-T-C.
Other names: c.4811A>G, p.Gln1604Arg (NM_001407594.1, NM_001407596.1, NM_001407597.1 and 8 more transcripts); c.4808A>G, p.Gln1603Arg (NM_001407610.1, NM_001407611.1, NM_001407612.1 and 17 more transcripts); c.4682A>G, p.Gln1561Arg (NM_001407682.1, NM_001407683.1, NM_001407685.1 and 6 more transcripts); c.4679A>G, p.Gln1560Arg (NM_001407690.1, NM_001407691.1); c.4472A>G, p.Gln1491Arg (NM_001407957.1, NM_001407958.1, NM_001407956.1); c.4430A>G, p.Gln1477Arg (NM_001407959.1); c.4427A>G, p.Gln1476Arg (NM_001407960.1, NM_001407962.1); c.4424A>G, p.Gln1475Arg (NM_001407963.1); and 70 more; short protein forms Q1604R, Q1625R, Q500R, Q1557R, Q1307R, Q1476R, Q1491R, Q1492R.
Identifiers: ClinVar variation 55292 (VCV000055292.22), dbSNP rs80357439, ClinGen allele CA003032.

ClinVar aggregate classification (germline): Conflicting classifications of pathogenicity. Review status: criteria provided, conflicting classifications (1 of 4 stars). 8 submissions from 8 submitters: Uncertain significance (6); Likely benign (1). 1 of the submissions does not count toward it. Last evaluated 2024-04-10.

Conditions:
Hereditary cancer-predisposing syndrome. Also called: Hereditary Cancer Syndrome; Hereditary neoplastic syndrome; Neoplastic Syndromes, Hereditary; Tumor predisposition. Identifiers: Orphanet 140162, MedGen C0027672, MeSH D009386, MONDO:0015356.
Hereditary breast ovarian cancer syndrome. Also called: BRCA1- and BRCA2-Associated Hereditary Breast and Ovarian Cancer; Hereditary breast and ovarian cancer syndrome; Hereditary breast and ovarian cancer syndrome (HBOC); Breast and ovarian cancer; Hereditary breast and/or ovarian cancer syndrome; Hereditary breast and ovarian cancer. Identifiers: Orphanet 145, MedGen C0677776, MeSH D061325, MONDO:0003582. Disease mechanism: loss of function.
Familial pancreatic carcinoma. Identifiers: Orphanet 1333, MedGen C2931038, MONDO:0015278, OMIM 260350.
BRCA1-related cancer predisposition. Identifiers: MedGen CN377757, MONDO:0700268.
Breast-ovarian cancer, familial, susceptibility to, 1 (BROVCA1). Also called: BRCA1 Hereditary Breast and Ovarian Cancer; OVARIAN CANCER, SUSCEPTIBILITY TO. Identifiers: Orphanet 145, MedGen C2676676, MONDO:0011450, OMIM 604370. Disease mechanism: loss of function.

Allele frequency attached by ClinVar (database versions not stated): gnomAD exomes below 0.00001.
gnomAD v4.1: 3 of 1,614,106 alleles (0.00019%); highest among the groups gnomAD compares: South Asian, 0.0011%; no homozygotes.

Submissions (8):

Department of Pathology and Laboratory Medicine, Sinai Health System
Classification: Likely benign for Hereditary breast ovarian cancer syndrome; Familial pancreatic carcinoma. Last evaluated: 2024-04-10. Review status: criteria provided, single submitter. Criteria: ACMG Guidelines, 2015. Collection method: clinical testing. Allele origin: germline. Affected: yes.

Ambry Genetics
Classification: Uncertain significance for Hereditary cancer-predisposing syndrome. Last evaluated: 2024-03-13. Review status: criteria provided, single submitter. Criteria: Ambry Variant Classification Scheme 2023. Collection method: clinical testing. Allele origin: germline.
Comment: The p.Q1604R variant (also known as c.4811A>G), located in coding exon 14 of the BRCA1 gene, results from an A to G substitution at nucleotide position 4811. The glutamine at codon 1604 is replaced by arginine, an amino acid with highly similar properties. This amino acid position is well conserved in available vertebrate species. In addition, the in silico prediction for this alteration is inconclusive. Since supporting evidence is limited at this time, the clinical significance of this alteration remains unclear.

All of Us Research Program, National Institutes of Health
Classification: Uncertain significance for BRCA1-related cancer predisposition. Last evaluated: 2024-02-22. Review status: criteria provided, single submitter. Criteria: ACMG Guidelines, 2015. Collection method: clinical testing. Allele origin: germline. Inheritance: Autosomal dominant inheritance. Observed: 1 variant allele, 1 heterozygote.
Comment: This missense variant replaces glutamine with arginine at codon 1604 of the BRCA1 protein. Computational prediction is inconclusive regarding the impact of this variant on protein structure and function (internally defined REVEL score threshold 0.5 < inconclusive < 0.7, PMID: 27666373). A functional study has shown that the mutant protein has transcriptional activity similar to wild type (PMID: 28781887). To our knowledge, this variant has not been reported in individuals affected with hereditary cancer in the literature. This variant has been identified in 1/251398 chromosomes in the general population by the Genome Aggregation Database (gnomAD). The available evidence is insufficient to determine the role of this variant in disease conclusively. Therefore, this variant is classified as a Variant of Uncertain Significance.

This study involves interpretation of variants in research participants for the purpose of population health screening. Participant phenotype was not available at the time of variant classification. Additional details can be found in publication PMID: 35346344, PMCID: PMC8962531

Baylor Genetics
Classification: Uncertain significance for Breast-ovarian cancer, familial, susceptibility to, 1. Last evaluated: 2023-10-12. Review status: criteria provided, single submitter. Criteria: ACMG Guidelines, 2015. Collection method: clinical testing. Allele origin: unknown.

Quest Diagnostics Nichols Institute San Juan Capistrano
Classification: Uncertain significance. Last evaluated: 2023-02-07. Review status: criteria provided, single submitter. Criteria: Quest Diagnostics criteria. Collection method: clinical testing. Allele origin: unknown.
Comment: The frequency of this variant in the general population, 0.000004 (1/251398 chromosomes), is uninformative in assessment of its pathogenicity. In the published literature, the variant has been reported in individuals with hereditary breast and/or ovarian cancer (HBOC) (PMID: 16267036 (2005)). Functional assays have suggested this variant shows similar transcriptional activity as the wild type (PMIDs: 28781887 (2016), 35665744 (2022)). Analysis of this variant using bioinformatics tools for the prediction of the effect of amino acid changes on protein structure and function yielded predictions that this variant is benign. Based on the available information, we are unable to determine the clinical significance of this variant.

Labcorp Genetics (formerly Invitae), Labcorp
Classification: Uncertain significance for Hereditary breast ovarian cancer syndrome. Last evaluated: 2022-10-07. Review status: criteria provided, single submitter. Criteria: Invitae Variant Classification Sherloc (09022015). Collection method: clinical testing. Allele origin: germline.
Comment: This variant is present in population databases (rs80357439, gnomAD 0.0009%). In summary, the available evidence is currently insufficient to determine the role of this variant in disease. Therefore, it has been classified as a Variant of Uncertain Significance. Advanced modeling of protein sequence and biophysical properties (such as structural, functional, and spatial information, amino acid conservation, physicochemical variation, residue mobility, and thermodynamic stability) performed at Invitae indicates that this missense variant is not expected to disrupt BRCA1 protein function. ClinVar contains an entry for this variant (Variation ID: 55292). This missense change has been observed in individual(s) with clinical features of BRCA1-related conditions (PMID: 16267036). This sequence change replaces glutamine, which is neutral and polar, with arginine, which is basic and polar, at codon 1604 of the BRCA1 protein (p.Gln1604Arg).

GeneDx
Classification: Uncertain significance. Last evaluated: 2019-05-13. Review status: criteria provided, single submitter. Criteria: GeneDx Variant Classification Process June 2021. Collection method: clinical testing. Allele origin: germline. Affected: yes.
Comment: Not observed at a significant frequency in large population cohorts (Lek et al., 2016); In silico analysis, which includes protein predictors and evolutionary conservation, supports that this variant does not alter protein structure/function; This variant is associated with the following publications: (PMID: 28781887, 16267036)

Breast Cancer Information Core (BIC) (BRCA1)
Classification: Uncertain significance for Breast-ovarian cancer, familial 1. Last evaluated: 2002-05-29. Review status: no assertion criteria provided. Collection method: clinical testing. Allele origin: germline. Affected: yes. Observed: 2 variant alleles. Not counted in ClinVar's aggregate classification.

Literature cited by the submitters: PubMed 30765603 (cited by Department of Pathology and Laboratory Medicine, Sinai Health System); PubMed 28781887 (cited by All of Us Research Program, National Institutes of Health and Quest Diagnostics Nichols Institute San Juan Capistrano); PubMed 35665744 (cited by Quest Diagnostics Nichols Institute San Juan Capistrano); PubMed 16267036 (cited by Quest Diagnostics Nichols Institute San Juan Capistrano and Labcorp Genetics (formerly Invitae), Labcorp); PubMed 31131967 (cited by Quest Diagnostics Nichols Institute San Juan Capistrano).